The following is an entry in ClinVar:

ClinVar aggregate classification (germline): Likely benign (0 of 4 stars; one submission).

Conditions:
MEFV-related disorder. Also called: MEFV-related disorders; MEFV-related condition.

Submission:

PreventionGenetics, part of Exact Sciences
Classification: Likely benign for MEFV-related condition. Last evaluated: 2024-03-14. Review status: no assertion criteria provided. Collection method: clinical testing. Allele origin: germline.
Comment: This variant is classified as likely benign based on ACMG/AMP sequence variant interpretation guidelines (Richards et al. 2015 PMID: 25741868, with internal and published modifications).

NM_000243.3(MEFV):c.1632T>C (p.Pro544=)

Gene: MEFV (MEFV innate immunity regulator, pyrin; minus strand). Cytogenetic location: 16p13.3.
Variant type: single nucleotide variant.
Coding change: c.1632T>C on transcript NM_000243.3 (MANE Select); coding-DNA position 1632, T replaced by C.
Protein change: p.Pro544=; no amino-acid change (proline 544 retained).
Molecular consequence: synonymous variant.
Genome position (GRCh38, 1-based): chr16:3,244,567, A>G on the plus strand (T>C on the coding strand, the complement: MEFV is on the minus strand). VCF-style: chr16-3244567-A-G. GRCh37 (hg19) VCF-style: chr16-3294567-A-G.
Other names: c.999T>C, p.Pro333= (NM_001198536.2).
Identifiers: ClinVar variation 3350059 (VCV003350059.1).